The following is an entry in ClinVar:

ClinVar aggregate classification (germline): Likely pathogenic. Review status: criteria provided, multiple submitters, no conflicts (2 of 4 stars). 2 submissions from 2 submitters: Likely pathogenic (2). Last evaluated 2025-10-09.

Conditions:
Adams-Oliver syndrome 2 (AOS2). Identifiers: Orphanet 974, MedGen C3280182, MONDO:0013635, OMIM 614219.
DOCK6-related disorders.

Submissions (2):

Department of Medical Genetics, Gazi University
Classification: Likely pathogenic for Adams-Oliver syndrome 2. Last evaluated: 2025-10-09. Review status: criteria provided, single submitter. Criteria: ACMG Guidelines, 2015. Collection method: clinical testing. Allele origin: germline. Inheritance: Autosomal recessive inheritance. Affected: yes.
Comment: The variant is predicted to lead to protein truncation or nonsense-mediated decay in the DOCK6 gene. Loss-of-function variants in DOCK6 are known to be pathogenic (PMID: 21820096, 23522784). This variant has not been reported in a homozygous state in large, multi-ethnic general populations (GnomAD). Thus this variant classified as likely pathogenic. Criteria applied: PVS1, PM2.

Blueprint Genetics
Classification: Likely pathogenic for DOCK6-related disorders. Last evaluated: 2024-11-13. Review status: criteria provided, single submitter. Criteria: ACMG Guidelines, 2015. Collection method: clinical testing. Allele origin: germline. Affected: yes. Observed: 1 variant allele.

Literature cited by the submitters: PubMed 21820096 (cited by Department of Medical Genetics, Gazi University); PubMed 23522784 (cited by Department of Medical Genetics, Gazi University).

NM_020812.4(DOCK6):c.4198_4199insATGG (p.Val1400fs)

Genes: DOCK6 (dedicator of cytokinesis 6; minus strand), DOCK6-AS1 (DOCK6 antisense RNA 1; plus strand). Cytogenetic location: 19p13.2.
Variant type: Insertion.
Coding change: c.4198_4199insATGG on transcript NM_020812.4 (MANE Select); coding-DNA positions 4198 to 4199, ATGG inserted.
Protein change: p.Val1400fs; shifts the reading frame from valine 1400.
Molecular consequence: frameshift variant.
Genome position: GRCh38 VCF-style: chr19-11214557-A-ACCAT. GRCh37 (hg19) VCF-style: chr19-11325233-A-ACCAT.
Other names: c.4303_4304insATGG, p.Val1435fs (NM_001367830.1); short protein forms V1400fs, V1435fs.
Identifiers: ClinVar variation 4280135 (VCV004280135.2).